The following is an entry in ClinVar:

NM_001005242.3(PKP2):c.2236G>A (p.Glu746Lys)

Gene: PKP2 (plakophilin 2; minus strand). Cytogenetic location: 12p11.21.
Variant type: single nucleotide variant.
Coding change: c.2236G>A on transcript NM_001005242.3 (MANE Select); coding-DNA position 2236, G replaced by A.
Protein change: p.Glu746Lys; replaces glutamic acid 746 with lysine.
Molecular consequence: missense variant.
Genome position (GRCh38, 1-based): chr12:32,796,230, C>T on the plus strand (G>A on the coding strand, the complement: PKP2 is on the minus strand). VCF-style: chr12-32796230-C-T. GRCh37 (hg19) VCF-style: chr12-32949164-C-T.
Other names: c.2368G>A, p.Glu790Lys (NM_004572.4); short protein forms E790K, E746K.
Identifiers: ClinVar variation 1384475 (VCV001384475.6), dbSNP rs2137708520, ClinGen allele CA384357840.

ClinVar aggregate classification (germline): Uncertain significance (1 of 4 stars; one submission).

Conditions:
Arrhythmogenic right ventricular dysplasia 9 (ARVD9). Also called: ARRHYTHMOGENIC RIGHT VENTRICULAR DYSPLASIA, FAMILIAL, 9; Arrhythmogenic Right Ventricular Dysplasia/Cardiomyopathy 9. Identifiers: MedGen C1836906, MONDO:0012180, OMIM 609040.

Submission:

Labcorp Genetics (formerly Invitae), Labcorp
Classification: Uncertain significance for Arrhythmogenic right ventricular dysplasia 9. Last evaluated: 2021-10-04. Review status: criteria provided, single submitter. Criteria: Invitae Variant Classification Sherloc (09022015). Collection method: clinical testing. Allele origin: germline.
Comment: In summary, the available evidence is currently insufficient to determine the role of this variant in disease. Therefore, it has been classified as a Variant of Uncertain Significance. Algorithms developed to predict the effect of missense changes on protein structure and function (SIFT, PolyPhen-2, Align-GVGD) all suggest that this variant is likely to be disruptive. This variant has not been reported in the literature in individuals affected with PKP2-related conditions. This variant is not present in population databases (ExAC no frequency). This sequence change replaces glutamic acid with lysine at codon 790 of the PKP2 protein (p.Glu790Lys). The glutamic acid residue is highly conserved and there is a small physicochemical difference between glutamic acid and lysine.